The following is an entry in ClinVar:

ClinVar aggregate classification (germline): Uncertain significance (1 of 4 stars; one submission).

Conditions:
Adams-Oliver syndrome 1 (AOS1). Also called: APLASIA CUTIS CONGENITA WITH TERMINAL TRANSVERSE LIMB DEFECTS; ABSENCE DEFECT OF LIMBS, SCALP, AND SKULL; CONGENITAL SCALP DEFECTS WITH DISTAL LIMB REDUCTION ANOMALIES. Identifiers: Orphanet 974, MedGen C4551482, MONDO:0024506, OMIM 100300.

gnomAD v4.1: 3 of 1,614,156 alleles (0.00019%); highest among the groups gnomAD compares: Non-Finnish European, 0.00025%; no homozygotes.

Submission:

Centre for Mendelian Genomics, University Medical Centre Ljubljana
Classification: Uncertain significance for Adams-Oliver syndrome 1. Last evaluated: 2020-01-15. Review status: criteria provided, single submitter. Criteria: ACMG Guidelines, 2015. Collection method: clinical testing. Allele origin: unknown. Affected: yes.
Comment: This variant was classified as: Uncertain significance. The available evidence on this variant's pathogenicity is insufficient or conflicting. The following ACMG criteria were applied in classifying this variant: No criteria apply.

NM_020754.4(ARHGAP31):c.2411C>A (p.Pro804Gln)

Gene: ARHGAP31 (Rho GTPase activating protein 31; plus strand). Cytogenetic location: 3q13.33.
Variant type: single nucleotide variant.
Coding change: c.2411C>A on transcript NM_020754.4 (MANE Select); coding-DNA position 2411, C replaced by A.
Protein change: p.Pro804Gln; replaces proline 804 with glutamine.
Molecular consequence: missense variant.
Genome position (GRCh38, 1-based): chr3:119,414,340, C>A. VCF-style: chr3-119414340-C-A. GRCh37 (hg19) VCF-style: chr3-119133187-C-A.
Other names: short protein forms P804Q.
Identifiers: ClinVar variation 930605 (VCV000930605.3), dbSNP rs760373610, ClinGen allele CA354051093.